The following is an entry in ClinVar:

ClinVar aggregate classification (germline): Pathogenic. Review status: criteria provided, multiple submitters, no conflicts (2 of 4 stars). 6 submissions from 6 submitters: Pathogenic (6). Last evaluated 2025-11-22.

Conditions:
Cardiac arrhythmia. Also called: Arrhythmia; Cardiac rhythm disease. Identifiers: MedGen C0003811, MONDO:0007263, HP:0011675.
Cardiovascular phenotype. Identifiers: MedGen CN230736.
Long QT syndrome (LQTS). Identifiers: MedGen C0023976, MeSH D008133, MONDO:0002442. Disease mechanism: loss of function. Inheritance: Various modes of inheritance.

Submissions (6):

Labcorp Genetics (formerly Invitae), Labcorp
Classification: Pathogenic for Long QT syndrome. Last evaluated: 2025-11-22. Review status: criteria provided, single submitter. Criteria: Invitae Variant Classification Sherloc (09022015). Collection method: clinical testing. Allele origin: germline.
Comment: This sequence change creates a premature translational stop signal (p.Trp1001*) in the KCNH2 gene. It is expected to result in an absent or disrupted protein product. Loss-of-function variants in KCNH2 are known to be pathogenic (PMID: 10973849, 19862833). This variant is not present in population databases (gnomAD no frequency). This premature translational stop signal has been observed in individual(s) with Long QT syndrome (PMID: 17576861, 19716085, 26669661). ClinVar contains an entry for this variant (Variation ID: 200513). Algorithms developed to predict the effect of sequence changes on RNA splicing suggest that this variant may disrupt the consensus splice site. For these reasons, this variant has been classified as Pathogenic.

Ambry Genetics
Classification: Pathogenic for Cardiovascular phenotype. Last evaluated: 2025-03-07. Review status: criteria provided, single submitter. Criteria: Ambry Variant Classification Scheme 2023. Collection method: clinical testing. Allele origin: germline.
Comment: The p.W1001* pathogenic mutation (also known as c.3002G>A), located in coding exon 13 of the KCNH2 gene, results from a G to A substitution at nucleotide position 3002. This changes the amino acid from a tryptophan to a stop codon within coding exon 13. In a study of long QT syndrome clinical genetic testing, this alteration was reported in five individuals (Kapplinger JD et al. Heart Rhythm, 2009 Sep;6:1297-303). This variant is considered to be rare based on population cohorts in the Genome Aggregation Database (gnomAD). In addition to the data presented in the literature, this alteration is expected to result in loss of function by premature protein truncation or nonsense-mediated mRNA decay. As such, this alteration is interpreted as a disease-causing mutation.

All of Us Research Program, National Institutes of Health
Classification: Pathogenic for Long QT syndrome. Last evaluated: 2024-09-23. Review status: criteria provided, single submitter. Criteria: ACMG Guidelines, 2015. Collection method: clinical testing. Allele origin: germline. Inheritance: Autosomal dominant inheritance. Observed: 1 variant allele, 1 heterozygote.
Comment: This variant changes 1 nucleotide in exon 13 of the KCNH2 gene, creating a premature translation stop signal. This variant is expected to result in an absent or non-functional protein product. Splice site prediction tools suggest that this variant may not impact RNA splicing. To our knowledge, functional studies have not been performed for this variant. This variant has been reported in individuals affected with long QT syndrome (PMID: 19716085, 26846766). This variant has not been identified in the general population by the Genome Aggregation Database (gnomAD). Loss of KCNH2 function is a known mechanism of disease. Based on the available evidence, this variant is classified as Pathogenic.

This study involves interpretation of variants in research participants for the purpose of population health screening. Participant phenotype was not available at the time of variant classification. Additional details can be found in publication PMID: 35346344, PMCID: PMC8962531

Women's Health and Genetics/Laboratory Corporation of America, LabCorp
Classification: Pathogenic for Long QT syndrome. Last evaluated: 2024-07-30. Review status: criteria provided, single submitter. Criteria: LabCorp Variant Classification Summary - May 2015. Collection method: clinical testing. Allele origin: germline.
Comment: Variant summary: KCNH2 c.3002G>A (p.Trp1001X) results in a premature termination codon, predicted to cause a truncation of the encoded protein or absence of the protein due to nonsense mediated decay, which are commonly known mechanisms for disease. The frequency data for this variant in gnomAD is considered unreliable, as metrics indicate poor data quality at this position. c.3002G>A has been reported in the literature in multiple individuals affected with Long QT Syndrome (e.g. Kim_2010). These data indicate that the variant is very likely to be associated with disease. The following publication have been ascertained in the context of this evaluation (PMID: 20850565). ClinVar contains an entry for this variant (Variation ID: 200513). Based on the evidence outlined above, the variant was classified as pathogenic.

Color Diagnostics, LLC DBA Color Health
Classification: Pathogenic for Cardiac arrhythmia. Last evaluated: 2024-07-24. Review status: criteria provided, single submitter. Criteria: ACMG Guidelines, 2015. Collection method: clinical testing. Allele origin: germline.
Comment: This variant changes 1 nucleotide in exon 13 of the KCNH2 gene, creating a premature translation stop signal. This variant is expected to result in an absent or non-functional protein product. This variant has been reported in individuals affected with long QT syndrome (PMID: 19716085, 26846766). This variant has not been identified in the general population by the Genome Aggregation Database (gnomAD). Loss of KCNH2 function is a known mechanism of disease. Based on the available evidence, this variant is classified as Pathogenic.

GeneDx
Classification: Pathogenic. Last evaluated: 2022-09-26. Review status: criteria provided, single submitter. Criteria: GeneDx Variant Classification Process June 2021. Collection method: clinical testing. Allele origin: germline. Affected: yes.
Comment: Identified in patients with LQTS referred for genetic testing at GeneDx and in published literature (Kapplinger et al., 2009; Neubauer et al., 2016; Itoh et al., 2016); Not observed at significant frequency in large population cohorts (gnomAD); Nonsense variant predicted to result in protein truncation or nonsense mediated decay in a gene for which loss-of-function is a known mechanism of disease; This variant is associated with the following publications: (PMID: 11854117, 19716085, 28410642, 27807201, 23995044, 26669661, 24363251, 17576861, 26846766)

Literature cited by the submitters: PubMed 10973849 (cited by Labcorp Genetics (formerly Invitae), Labcorp); PubMed 19862833 (cited by Labcorp Genetics (formerly Invitae), Labcorp); PubMed 17576861 (cited by Labcorp Genetics (formerly Invitae), Labcorp); PubMed 19716085 (cited by 4 submitters); PubMed 26669661 (cited by Labcorp Genetics (formerly Invitae), Labcorp); PubMed 26846766 (cited by All of Us Research Program, National Institutes of Health and Color Diagnostics, LLC DBA Color Health); PubMed 20850565 (cited by Women's Health and Genetics/Laboratory Corporation of America, LabCorp).

NM_000238.4(KCNH2):c.3002G>A (p.Trp1001Ter)

Gene: KCNH2 (potassium voltage-gated channel subfamily H member 2; minus strand). Cytogenetic location: 7q36.1.
Variant type: single nucleotide variant.
Coding change: c.3002G>A on transcript NM_000238.4 (MANE Select); coding-DNA position 3002, G replaced by A.
Protein change: p.Trp1001Ter; replaces tryptophan 1001 with a stop codon.
Molecular consequence: nonsense. On other transcripts: non-coding transcript variant (2).
Genome position (GRCh38, 1-based): chr7:150,947,478, C>T on the plus strand (G>A on the coding strand, the complement: KCNH2 is on the minus strand). VCF-style: chr7-150947478-C-T. GRCh37 (hg19) VCF-style: chr7-150644566-C-T.
Other names: p.W1001*:TGG>TAG; c.2714G>A, p.Trp905Ter (NM_001406753.1); c.1982G>A, p.Trp661Ter (NM_172057.3); short protein forms W1001*, W661*, W905*.
Identifiers: ClinVar variation 200513 (VCV000200513.24), dbSNP rs794728401, ClinGen allele CA007773.
Genomic context (GRCh38, chr7:150,947,478, plus strand): 5'-CTGGGGGTGGGGGCGGGGCATCGAGGGAGCTCCTGGTACTGGCGGCCCCGACTGTCCCCC[C>T]AGAAGCTGAAAATGTTGGACACTCCTGAGAAGGCGCCTGCAGCCAGAGAGCAGAGCTGGG-3'